The following is an entry in ClinVar:

ClinVar aggregate classification (germline): Uncertain significance (1 of 4 stars; one submission).

gnomAD v4.1: 5 of 1,614,136 alleles (0.00031%); highest among the groups gnomAD compares: Non-Finnish European, 0.00042%; no homozygotes.

Submission:

Labcorp Genetics (formerly Invitae), Labcorp
Classification: Uncertain significance. Last evaluated: 2025-12-03. Review status: criteria provided, single submitter. Criteria: Invitae Variant Classification Sherloc (09022015). Collection method: clinical testing. Allele origin: germline.
Comment: This sequence change replaces isoleucine, which is neutral and non-polar, with methionine, which is neutral and non-polar, at codon 802 of the MTOR protein (p.Ile802Met). This variant is not present in population databases (gnomAD no frequency). This variant has not been reported in the literature in individuals affected with MTOR-related conditions. Invitae Evidence Modeling of protein sequence and biophysical properties (such as structural, functional, and spatial information, amino acid conservation, physicochemical variation, residue mobility, and thermodynamic stability) indicates that this missense variant is not expected to disrupt MTOR protein function with a negative predictive value of 95%. In summary, the available evidence is currently insufficient to determine the role of this variant in disease. Therefore, it has been classified as a Variant of Uncertain Significance.

NM_004958.4(MTOR):c.2406A>G (p.Ile802Met)

Gene: MTOR (mechanistic target of rapamycin kinase; minus strand). Cytogenetic location: 1p36.22.
Variant type: single nucleotide variant.
Coding change: c.2406A>G on transcript NM_004958.4 (MANE Select); coding-DNA position 2406, A replaced by G.
Protein change: p.Ile802Met; replaces isoleucine 802 with methionine.
Molecular consequence: missense variant.
Genome position (GRCh38, 1-based): chr1:11,233,413, T>C on the plus strand (A>G on the coding strand, the complement: MTOR is on the minus strand). VCF-style: chr1-11233413-T-C. GRCh37 (hg19) VCF-style: chr1-11293470-T-C.
Other names: c.2406A>G, p.Ile802Met (NM_001386500.1); c.1158A>G, p.Ile386Met (NM_001386501.1); short protein forms I386M, I802M.
Identifiers: ClinVar variation 4799844 (VCV004799844.1).